The following is an entry in ClinVar:

NM_001408.3(CELSR2):c.5403G>A (p.Pro1801=)

Gene: CELSR2 (cadherin EGF LAG seven-pass G-type receptor 2; plus strand). Cytogenetic location: 1p13.3.
Variant type: single nucleotide variant.
Coding change: c.5403G>A on transcript NM_001408.3 (MANE Select); coding-DNA position 5403, G replaced by A.
Protein change: p.Pro1801=; no amino-acid change (proline 1801 retained).
Molecular consequence: synonymous variant.
Genome position (GRCh38, 1-based): chr1:109,264,567, G>A. VCF-style: chr1-109264567-G-A. GRCh37 (hg19) VCF-style: chr1-109807189-G-A.
Other names: c.5403G>A (NM_001408.2).
Identifiers: ClinVar variation 1448316 (VCV001448316.10), dbSNP rs777511741, ClinGen allele CA987539.

ClinVar aggregate classification (germline): Likely benign. Review status: criteria provided, single submitter (1 of 4 stars). 2 submissions from 2 submitters: Likely benign (1). 1 of the submissions does not count toward it. Last evaluated 2024-10-15.

Conditions:
CELSR2-related disorder. Also called: CELSR2-related condition.

Allele frequency attached by ClinVar (database versions not stated): gnomAD 0.00003; ExAC 0.00004; gnomAD exomes 0.00004; TOPMed 0.00004.
gnomAD v4.1: 30 of 1,614,196 alleles (0.0019%); highest among the groups gnomAD compares: South Asian, 0.0033%; no homozygotes.

Submissions (2):

Labcorp Genetics (formerly Invitae), Labcorp
Classification: Likely benign. Last evaluated: 2024-10-15. Review status: criteria provided, single submitter. Criteria: Invitae Variant Classification Sherloc (09022015). Collection method: clinical testing. Allele origin: germline.

PreventionGenetics, part of Exact Sciences
Classification: Likely benign for CELSR2-related condition. Last evaluated: 2019-04-30. Review status: no assertion criteria provided. Collection method: clinical testing. Allele origin: germline. Not counted in ClinVar's aggregate classification.
Comment: This variant is classified as likely benign based on ACMG/AMP sequence variant interpretation guidelines (Richards et al. 2015 PMID: 25741868, with internal and published modifications).